The following is an entry in ClinVar:

NM_020738.4(KIDINS220):c.1917A>T (p.Val639=)

Gene: KIDINS220 (kinase D interacting substrate 220; minus strand). Cytogenetic location: 2p25.1.
Variant type: single nucleotide variant.
Coding change: c.1917A>T on transcript NM_020738.4 (MANE Select); coding-DNA position 1917, A replaced by T.
Protein change: p.Val639=; no amino-acid change (valine 639 retained).
Molecular consequence: synonymous variant. On other transcripts: non-coding transcript variant (2).
Genome position (GRCh38, 1-based): chr2:8,786,228, T>A on the plus strand (A>T on the coding strand, the complement: KIDINS220 is on the minus strand). VCF-style: chr2-8786228-T-A. GRCh37 (hg19) VCF-style: chr2-8926358-T-A.
Other names: c.1920A>T, p.Val640= (NM_001348729.2, NM_001348731.2, NM_001348734.2 and 3 more transcripts); c.1917A>T, p.Val639= (NM_001348732.2, NM_001348735.2, NM_001348738.2 and 3 more transcripts); c.1791A>T, p.Val597= (NM_001348736.2).
Identifiers: ClinVar variation 3345691 (VCV003345691.1).
Genomic context (GRCh38, chr2:8,786,228, plus strand): 5'-ATCCCTTACACACAAAGAAGGAAGGAAGGAAATCCTACCCTGAGTATCTTCAGTCTTGAA[T>A]ACTCGAAAAAGCCTGGTTGCCAAAAAGCCAAACTCTCTTTCACAAGCATCCGAGAGGGTT-3'
Protein context (NP_065789.1, residues 629-649): FGFLATRLFR[Val639=]FKTEDTQGKK

ClinVar aggregate classification (germline): Likely benign (0 of 4 stars; one submission).

Conditions:
KIDINS220-related disorder. Also called: KIDINS220-related condition.

Submission:

PreventionGenetics, part of Exact Sciences
Classification: Likely benign for KIDINS220-related condition. Last evaluated: 2024-09-04. Review status: no assertion criteria provided. Collection method: clinical testing. Allele origin: germline.
Comment: This variant is classified as likely benign based on ACMG/AMP sequence variant interpretation guidelines (Richards et al. 2015 PMID: 25741868, with internal and published modifications).